The following is an entry in ClinVar:

ClinVar aggregate classification (germline): Uncertain significance. Review status: criteria provided, multiple submitters, no conflicts (2 of 4 stars). 2 submissions from 2 submitters: Uncertain significance (2). Last evaluated 2025-06-01.

Conditions:
Aortic aneurysm, familial thoracic 4 (AAT4). Also called: AORTIC ANEURYSM/AORTIC DISSECTION AND PATENT DUCTUS ARTERIOSUS. Identifiers: MedGen C1851504, MONDO:0007568, OMIM 132900.
Familial thoracic aortic aneurysm and aortic dissection (TAAD). Also called: Thoracic aortic aneurysms and dissections. Identifiers: Orphanet 91387, MedGen C4707243, MONDO:0019625.

Allele frequency attached by ClinVar (database versions not stated): TOPMed below 0.00001.
gnomAD v4.1: 1 of 1,613,954 alleles (0.000062%); highest among the groups gnomAD compares: Non-Finnish European, 0.000085%; no homozygotes.

Submissions (2):

Labcorp Genetics (formerly Invitae), Labcorp
Classification: Uncertain significance for Aortic aneurysm, familial thoracic 4. Last evaluated: 2025-06-01. Review status: criteria provided, single submitter. Criteria: Invitae Variant Classification Sherloc (09022015). Collection method: clinical testing. Allele origin: germline.
Comment: This sequence change replaces isoleucine, which is neutral and non-polar, with leucine, which is neutral and non-polar, at codon 758 of the MYH11 protein (p.Ile758Leu). This variant is present in population databases (no rsID available, gnomAD 0.0009%). This variant has not been reported in the literature in individuals affected with MYH11-related conditions. ClinVar contains an entry for this variant (Variation ID: 1788432). An algorithm developed to predict the effect of missense changes on protein structure and function (PolyPhen-2) suggests that this variant is likely to be tolerated. In summary, the available evidence is currently insufficient to determine the role of this variant in disease. Therefore, it has been classified as a Variant of Uncertain Significance.

Ambry Genetics
Classification: Uncertain significance for Familial thoracic aortic aneurysm and aortic dissection. Last evaluated: 2021-12-16. Review status: criteria provided, single submitter. Criteria: Ambry Variant Classification Scheme 2023. Collection method: clinical testing. Allele origin: germline.
Comment: The p.I751L variant (also known as c.2251A>C) is located in coding exon 18 of the MYH11 gene. The isoleucine at codon 751 is replaced by leucine, an amino acid with highly similar properties. This change occurs in the first base pair of coding exon 18. This amino acid position is conserved. In addition, the in silico prediction for this alteration is inconclusive. Since supporting evidence is limited at this time, the clinical significance of this alteration remains unclear.

NM_002474.3(MYH11):c.2251A>C (p.Ile751Leu)

Gene: MYH11 (myosin heavy chain 11; minus strand). Cytogenetic location: 16p13.11.
Variant type: single nucleotide variant.
Coding change: c.2251A>C on transcript NM_002474.3 (MANE Select); coding-DNA position 2251, A replaced by C.
Protein change: p.Ile751Leu; replaces isoleucine 751 with leucine.
Molecular consequence: missense variant.
Genome position (GRCh38, 1-based): chr16:15,747,730, T>G on the plus strand (A>C on the coding strand, the complement: MYH11 is on the minus strand). VCF-style: chr16-15747730-T-G. GRCh37 (hg19) VCF-style: chr16-15841587-T-G.
Other names: c.2272A>C, p.Ile758Leu (NM_001040113.2, NM_001040114.2); c.2251A>C, p.Ile751Leu (NM_022844.3); short protein forms I758L, I751L.
Identifiers: ClinVar variation 1788432 (VCV001788432.5), dbSNP rs781475022, ClinGen allele CA394867597.